The following is an entry in ClinVar:

ClinVar aggregate classification (germline): Likely benign (1 of 4 stars; one submission).

Allele frequency attached by ClinVar (database versions not stated): 1000 Genomes Project 30x 0.00016; 1000 Genomes Project 0.00020; TOPMed 0.00057; ESP Exome Variant Server 0.00085.
gnomAD v4.1: 1,154 of 1,614,072 alleles (0.071%); highest among the groups gnomAD compares: Non-Finnish European, 0.088%; 1 homozygote.

Submission:

CeGaT Center for Human Genetics Tuebingen
Classification: Likely benign. Last evaluated: 2026-03-01. Review status: criteria provided, single submitter. Criteria: CeGaT Center For Human Genetics Tuebingen Variant Classification Criteria Version 2. Collection method: clinical testing. Allele origin: germline. Affected: yes. Observed: 10 variant alleles.
Comment: SMARCD1: BP4, BP7

NM_003076.5(SMARCD1):c.609G>A (p.Thr203=)

Gene: SMARCD1 (SWI/SNF related BAF chromatin remodeling complex subunit D1; plus strand). Cytogenetic location: 12q13.12.
Variant type: single nucleotide variant.
Coding change: c.609G>A on transcript NM_003076.5 (MANE Select); coding-DNA position 609, G replaced by A.
Protein change: p.Thr203=; no amino-acid change (threonine 203 retained).
Molecular consequence: synonymous variant.
Genome position (GRCh38, 1-based): chr12:50,087,440, G>A. VCF-style: chr12-50087440-G-A. GRCh37 (hg19) VCF-style: chr12-50481223-G-A.
Other names: c.609G>A, p.Thr203= (NM_139071.3).
Identifiers: ClinVar variation 2642977 (VCV002642977.24), dbSNP rs150581614, ClinGen allele CA6561116.
Genomic context (GRCh38, chr12:50,087,440, plus strand): 5'-AATTTTCATTTCTAACACTTTCAATCCGGCTAAGTCAGATGCCGAGGATGGGGAAGGGAC[G>A]GTGGCTTCCTGGGAGCTTCGGGTAGAAGGACGGCTCCTGGAGGATGTGAGTTCAAGGTCC-3'
Protein context (NP_003067.3, residues 193-213): AKSDAEDGEG[Thr203=]VASWELRVEG